The following is an entry in ClinVar:

ClinVar aggregate classification (germline): Uncertain significance (1 of 4 stars; one submission).

Allele frequency attached by ClinVar (database versions not stated): gnomAD exomes below 0.00001.
gnomAD v4.1: 1 of 1,561,900 alleles (0.000064%); highest among the groups gnomAD compares: Admixed American, 0.0019%; no homozygotes.

Submission:

Labcorp Genetics (formerly Invitae), Labcorp
Classification: Uncertain significance. Last evaluated: 2022-08-19. Review status: criteria provided, single submitter. Criteria: Invitae Variant Classification Sherloc (09022015). Collection method: clinical testing. Allele origin: germline.
Comment: This sequence change replaces methionine, which is neutral and non-polar, with isoleucine, which is neutral and non-polar, at codon 347 of the IKZF1 protein (p.Met347Ile). In summary, the available evidence is currently insufficient to determine the role of this variant in disease. Therefore, it has been classified as a Variant of Uncertain Significance. Algorithms developed to predict the effect of missense changes on protein structure and function output the following: SIFT: "Not Available"; PolyPhen-2: "Benign"; Align-GVGD: "Not Available". The isoleucine amino acid residue is found in multiple mammalian species, which suggests that this missense change does not adversely affect protein function. This variant has not been reported in the literature in individuals affected with IKZF1-related conditions. This variant is not present in population databases (gnomAD no frequency).

NM_006060.6(IKZF1):c.1041G>A (p.Met347Ile)

Gene: IKZF1 (IKAROS family zinc finger 1; plus strand). Cytogenetic location: 7p12.2.
Variant type: single nucleotide variant.
Coding change: c.1041G>A on transcript NM_006060.6 (MANE Select); coding-DNA position 1041, G replaced by A.
Protein change: p.Met347Ile; replaces methionine 347 with isoleucine.
Molecular consequence: missense variant.
Genome position (GRCh38, 1-based): chr7:50,400,108, G>A. VCF-style: chr7-50400108-G-A. GRCh37 (hg19) VCF-style: chr7-50467806-G-A.
Other names: c.915G>A, p.Met305Ile (NM_001220765.3, NM_001291837.2); c.750G>A, p.Met250Ile (NM_001220767.2); c.780G>A, p.Met260Ile (NM_001220768.2, NM_001291838.2); c.624G>A, p.Met208Ile (NM_001220770.2); c.612G>A, p.Met204Ile (NM_001220771.2, NM_001291841.1); c.654G>A, p.Met218Ile (NM_001291839.2); c.351G>A, p.Met117Ile (NM_001291840.1); c.582G>A, p.Met194Ile (NM_001291842.1); and 3 more; short protein forms M194I, M208I, M152I, M162I, M204I, M250I, M305I, M367I.
Identifiers: ClinVar variation 1972906 (VCV001972906.5), dbSNP rs2153518124, ClinGen allele CA367524297.
Genomic context (GRCh38, chr7:50,400,108, plus strand): 5'-GCGCCCGCTGGTGCAGACGCCCCCGGGCGGTTCCGAGGTGGTCCCGGTCATCAGCCCGAT[G>A]TACCAGCTGCACAAGCCGCTCGCGGAGGGCACCCCGCGCTCCAACCACTCGGCCCAGGAC-3'
Protein context (NP_006051.1, residues 337-357): GSEVVPVISP[Met347Ile]YQLHKPLAEG